The following is an entry in ClinVar:

NM_001165963.4(SCN1A):c.5486C>G (p.Ser1829Cys)

Genes: SCN1A (sodium voltage-gated channel alpha subunit 1; minus strand), LOC102724058 (uncharacterized LOC102724058; plus strand). Cytogenetic location: 2q24.3.
Variant type: single nucleotide variant.
Coding change: c.5486C>G on transcript NM_001165963.4 (MANE Select); coding-DNA position 5486, C replaced by G.
Protein change: p.Ser1829Cys; replaces serine 1829 with cysteine.
Molecular consequence: missense variant. On other transcripts: non-coding transcript variant (1).
Genome position (GRCh38, 1-based): chr2:165,991,789, G>C on the plus strand (C>G on the coding strand, the complement: SCN1A is on the minus strand). VCF-style: chr2-165991789-G-C. GRCh37 (hg19) VCF-style: chr2-166848299-G-C.
Other names: c.5402C>G, p.Ser1801Cys (NM_001165964.3, NM_001353957.2, NM_001353958.2); c.5486C>G, p.Ser1829Cys (NM_001202435.3, NM_001353948.2); c.5453C>G, p.Ser1818Cys (NM_001353949.2, NM_001353950.2, NM_001353951.2 and 2 more transcripts); c.5450C>G, p.Ser1817Cys (NM_001353954.2, NM_001353955.2); c.5399C>G, p.Ser1800Cys (NM_001353960.2); c.3044C>G, p.Ser1015Cys (NM_001353961.2); c.5486C>G (NM_001165963.1); short protein forms S1800C, S1817C, S1015C, S1801C, S1818C, S1829C.
Identifiers: ClinVar variation 1364351 (VCV001364351.10), dbSNP rs2105427253, ClinGen allele CA349065825.

ClinVar aggregate classification (germline): Conflicting classifications of pathogenicity. Review status: criteria provided, conflicting classifications (1 of 4 stars). 2 submissions from 2 submitters: Likely pathogenic (1); Uncertain significance (1). Last evaluated 2025-02-20.

Conditions:
Early-infantile DEE. Also called: Early infantile epileptic encephalopathy with suppression bursts; Ohtahara syndrome; Early infantile epileptic encephalopathy. Identifiers: Orphanet 1934, MedGen C0393706, MONDO:0800491.

Submissions (2):

GeneDx
Classification: Likely pathogenic. Last evaluated: 2025-02-20. Review status: criteria provided, single submitter. Criteria: GeneDx Variant Classification Process June 2021. Collection method: clinical testing. Allele origin: germline. Affected: yes.
Comment: Has not been previously published as pathogenic or benign to our knowledge; This substitution is predicted to be within the C-terminal cytoplasmic domain; In silico analysis supports that this missense variant has a deleterious effect on protein structure/function; Not observed at significant frequency in large population cohorts (gnomAD)

Labcorp Genetics (formerly Invitae), Labcorp
Classification: Uncertain significance for Early-infantile DEE. Last evaluated: 2022-08-15. Review status: criteria provided, single submitter. Criteria: Invitae Variant Classification Sherloc (09022015). Collection method: clinical testing. Allele origin: germline.
Comment: This sequence change replaces serine, which is neutral and polar, with cysteine, which is neutral and slightly polar, at codon 1829 of the SCN1A protein (p.Ser1829Cys). In summary, the available evidence is currently insufficient to determine the role of this variant in disease. Therefore, it has been classified as a Variant of Uncertain Significance. Advanced modeling of protein sequence and biophysical properties (such as structural, functional, and spatial information, amino acid conservation, physicochemical variation, residue mobility, and thermodynamic stability) performed at Invitae indicates that this missense variant is expected to disrupt SCN1A protein function. ClinVar contains an entry for this variant (Variation ID: 1364351). This variant has not been reported in the literature in individuals affected with SCN1A-related conditions. This variant is not present in population databases (gnomAD no frequency).